The following is an entry in ClinVar:

NM_016034.5(MRPS2):c.369G>A (p.Thr123=)

Genes: MRPS2 (mitochondrial ribosomal protein S2; plus strand), LOC101928525 (uncharacterized LOC101928525; minus strand). Cytogenetic location: 9q34.3.
Variant type: single nucleotide variant.
Coding change: c.369G>A on transcript NM_016034.5 (MANE Select); coding-DNA position 369, G replaced by A.
Protein change: p.Thr123=; no amino-acid change (threonine 123 retained).
Molecular consequence: synonymous variant. On other transcripts: non-coding transcript variant (5).
Genome position (GRCh38, 1-based): chr9:135,503,611, G>A. VCF-style: chr9-135503611-G-A. GRCh37 (hg19) VCF-style: chr9-138395457-G-A.
Other names: c.369G>A, p.Thr123= (NM_001371401.1).
Identifiers: ClinVar variation 2144770 (VCV002144770.28), dbSNP rs369140380, ClinGen allele CA5323925.

ClinVar aggregate classification (germline): Likely benign. Review status: criteria provided, multiple submitters, no conflicts (2 of 4 stars). 2 submissions from 2 submitters: Likely benign (2). Last evaluated 2025-06-02.

Allele frequency attached by ClinVar (database versions not stated): TOPMed 0.00006; ExAC 0.00007; ESP Exome Variant Server 0.00008; gnomAD 0.00015.
gnomAD v4.1: 88 of 1,613,650 alleles (0.0055%); highest among the groups gnomAD compares: Non-Finnish European, 0.0069%; no homozygotes.

Submissions (2):

Labcorp Genetics (formerly Invitae), Labcorp
Classification: Likely benign. Last evaluated: 2025-06-02. Review status: criteria provided, single submitter. Criteria: Invitae Variant Classification Sherloc (09022015). Collection method: clinical testing. Allele origin: germline.

CeGaT Center for Human Genetics Tuebingen
Classification: Likely benign. Last evaluated: 2023-07-01. Review status: criteria provided, single submitter. Criteria: CeGaT Center For Human Genetics Tuebingen Variant Classification Criteria Version 2. Collection method: clinical testing. Allele origin: germline. Affected: yes. Observed: 1 variant allele.
Comment: MRPS2: BP4, BP7